The following is an entry in ClinVar:

NM_001184.4(ATR):c.3602G>T (p.Arg1201Leu)

Gene: ATR (ATR checkpoint kinase; minus strand). Cytogenetic location: 3q23.
Variant type: single nucleotide variant.
Coding change: c.3602G>T on transcript NM_001184.4 (MANE Select); coding-DNA position 3602, G replaced by T.
Protein change: p.Arg1201Leu; replaces arginine 1201 with leucine.
Molecular consequence: missense variant.
Genome position (GRCh38, 1-based): chr3:142,538,605, C>A on the plus strand (G>T on the coding strand, the complement: ATR is on the minus strand). VCF-style: chr3-142538605-C-A. GRCh37 (hg19) VCF-style: chr3-142257447-C-A.
Other names: c.3410G>T, p.Arg1137Leu (NM_001354579.2); short protein forms R1137L, R1201L.
Identifiers: ClinVar variation 3221132 (VCV003221132.1), dbSNP rs1173633134, ClinGen allele CA354807624.
Genomic context (GRCh38, chr3:142,538,605, plus strand): 5'-GGTAACAAAGCTACTATTACATGACTGAGAAGGGAGCCCAGACAAGCATGATCCAGGCAG[C>A]GAACAAAGCAGTCCCAAGCTCTATGTGAAAAAACAAATAGAAATGAAGTCCAATTACTTT-3'
Protein context (NP_001175.2, residues 1191-1211): LCCRAWDCFV[Arg1201Leu]CLDHACLGSL

ClinVar aggregate classification (germline): Uncertain significance (1 of 4 stars; one submission).

Conditions:
Inborn genetic diseases. Identifiers: MedGen C0950123, MeSH D030342.

Submission:

Ambry Genetics
Classification: Uncertain significance for Inborn genetic diseases. Last evaluated: 2024-01-13. Review status: criteria provided, single submitter. Criteria: Ambry Variant Classification Scheme 2023. Collection method: clinical testing. Allele origin: germline.
Comment: The p.R1201L variant (also known as c.3602G>T), located in coding exon 19 of the ATR gene, results from a G to T substitution at nucleotide position 3602. The arginine at codon 1201 is replaced by leucine, an amino acid with dissimilar properties. This amino acid position is conserved. In addition, the in silico prediction for this alteration is inconclusive. Since supporting evidence is limited at this time, the clinical significance of this alteration remains unclear.